The following is an entry in ClinVar:

ClinVar aggregate classification (germline): Likely benign. Review status: criteria provided, multiple submitters, no conflicts (2 of 4 stars). 3 submissions from 3 submitters: Likely benign (3). Last evaluated 2025-10-30.

Conditions:
Cardiovascular phenotype. Identifiers: MedGen CN230736.
Hypertrophic cardiomyopathy. Also called: HYPERTROPHIC MYOCARDIOPATHY. Identifiers: Orphanet 217569, MedGen C0007194, MeSH D002312, MONDO:0005045, HP:0001639.

Allele frequency attached by ClinVar (database versions not stated): gnomAD exomes below 0.00001 and 0.00001; TOPMed below 0.00001.

Submissions (3):

Labcorp Genetics (formerly Invitae), Labcorp
Classification: Likely benign for Hypertrophic cardiomyopathy. Last evaluated: 2025-10-30. Review status: criteria provided, single submitter. Criteria: Invitae Variant Classification Sherloc (09022015). Collection method: clinical testing. Allele origin: germline.

All of Us Research Program, National Institutes of Health
Classification: Likely benign for Hypertrophic cardiomyopathy. Last evaluated: 2024-02-22. Review status: criteria provided, single submitter. Criteria: ACMG Guidelines, 2015. Collection method: clinical testing. Allele origin: germline. Inheritance: Autosomal dominant inheritance. Observed: 1 variant allele, 1 heterozygote.
Comment: This study involves interpretation of variants in research participants for the purpose of population health screening. Participant phenotype was not available at the time of variant classification. Additional details can be found in publication PMID: 35346344, PMCID: PMC8962531

Ambry Genetics
Classification: Likely benign for Cardiovascular phenotype. Last evaluated: 2016-10-27. Review status: criteria provided, single submitter. Criteria: Ambry Variant Classification Scheme 2023. Collection method: clinical testing. Allele origin: germline.

NM_000256.3(MYBPC3):c.1392G>A (p.Leu464=)

Gene: MYBPC3 (myosin binding protein C3; minus strand). Cytogenetic location: 11p11.2.
Variant type: single nucleotide variant.
Coding change: c.1392G>A on transcript NM_000256.3 (MANE Select); coding-DNA position 1392, G replaced by A.
Protein change: p.Leu464=; no amino-acid change (leucine 464 retained).
Molecular consequence: synonymous variant.
Genome position (GRCh38, 1-based): chr11:47,342,895, C>T on the plus strand (G>A on the coding strand, the complement: MYBPC3 is on the minus strand). VCF-style: chr11-47342895-C-T. GRCh37 (hg19) VCF-style: chr11-47364446-C-T.
Other names: c.1392G>A, p.Leu464= (LRG_386t1).
Identifiers: ClinVar variation 518823 (VCV000518823.13), dbSNP rs900306372, ClinGen allele CA044830.